The following is an entry in ClinVar:

ClinVar aggregate classification (germline): Uncertain significance (1 of 4 stars; one submission).

Allele frequency attached by ClinVar (database versions not stated): gnomAD exomes below 0.00001.
gnomAD v4.1: 2 of 1,614,166 alleles (0.00012%); highest among the groups gnomAD compares: South Asian, 0.0022%; no homozygotes.

Submission:

Ambry Genetics
Classification: Uncertain significance. Last evaluated: 2021-09-26. Review status: criteria provided, single submitter. Criteria: Ambry Variant Classification Scheme 2023. Collection method: clinical testing. Allele origin: germline.
Comment: The p.L237P variant (also known as c.710T>C), located in coding exon 6 of the PKP4 gene, results from a T to C substitution at nucleotide position 710. The leucine at codon 237 is replaced by proline, an amino acid with similar properties. This amino acid position is conserved. In addition, this alteration is predicted to be deleterious by in silico analysis. Since supporting evidence is limited at this time, the clinical significance of this alteration remains unclear.

NM_003628.6(PKP4):c.710T>C (p.Leu237Pro)

Gene: PKP4 (plakophilin 4; plus strand). Cytogenetic location: 2q24.1.
Variant type: single nucleotide variant.
Coding change: c.710T>C on transcript NM_003628.6 (MANE Select); coding-DNA position 710, T replaced by C.
Protein change: p.Leu237Pro; replaces leucine 237 with proline.
Molecular consequence: missense variant. On other transcripts: 5 prime UTR variant (1).
Genome position (GRCh38, 1-based): chr2:158,624,984, T>C. VCF-style: chr2-158624984-T-C. GRCh37 (hg19) VCF-style: chr2-159481496-T-C.
Other names: c.710T>C, p.Leu237Pro (NM_001005476.4, NM_001304969.3, NM_001304971.2 and 6 more transcripts); c.-317T>C (NM_001304970.3); c.704T>C, p.Leu235Pro (NM_001377222.1, NM_001377223.1, NM_001377224.1); short protein forms L237P, L235P.
Identifiers: ClinVar variation 1757222 (VCV001757222.2), dbSNP rs1330119055, ClinGen allele CA348905551.